The following is an entry in ClinVar:

ClinVar aggregate classification (germline): Uncertain significance. Review status: criteria provided, multiple submitters, no conflicts (2 of 4 stars). 2 submissions from 2 submitters: Uncertain significance (2). Last evaluated 2024-10-17.

Conditions:
Epidermolysis bullosa simplex with nail dystrophy (EBS5D). Identifiers: MedGen C4225309, MONDO:0014661, OMIM 616487.
Epidermolysis bullosa simplex 5C, with pyloric atresia (EBS5C). Also called: PLEC-Related Epidermolysis Bullosa with Pyloric Atresia; Epidermolysis bullosa simplex with pyloric atresia; PLEC1-Related Epidermolysis Bullosa with Pyloric Atresia. Identifiers: Orphanet 158684, MedGen C2677349, MONDO:0012807, OMIM 612138.
Epidermolysis bullosa simplex 5B, with muscular dystrophy (EBS5B). Also called: Epidermolysis bullosa simplex with muscular dystrophy; EPIDERMOLYSIS BULLOSA SIMPLEX AND LIMB-GIRDLE MUSCULAR DYSTROPHY. Identifiers: Orphanet 257, MedGen C2931072, MONDO:0009181, OMIM 226670.
Epidermolysis bullosa simplex, Ogna type (EBS5A). Also called: Pidermolysis bullosa simplex 5A, Ogna type; EPIDERMOLYSIS BULLOSA SIMPLEX 5A, OGNA TYPE. Identifiers: Orphanet 79401, MedGen C0432317, MONDO:0007555, OMIM 131950.
Autosomal recessive limb-girdle muscular dystrophy type 2Q (LGMDR17). Also called: MUSCULAR DYSTROPHY, LIMB-GIRDLE, AUTOSOMAL RECESSIVE 17. Identifiers: Orphanet 254361, MedGen C3150989, MONDO:0013390, OMIM 613723.

Allele frequency attached by ClinVar (database versions not stated): gnomAD exomes 0.00001; TOPMed 0.00001; ExAC 0.00002; gnomAD 0.00003.
gnomAD v4.1: 29 of 1,594,774 alleles (0.0018%); highest among the groups gnomAD compares: South Asian, 0.0033%; no homozygotes.

Submissions (2):

Labcorp Genetics (formerly Invitae), Labcorp
Classification: Uncertain significance for Autosomal recessive limb-girdle muscular dystrophy type 2Q; Epidermolysis bullosa simplex, Ogna type; Epidermolysis bullosa simplex with nail dystrophy; Epidermolysis bullosa simplex 5C, with pyloric atresia; Epidermolysis bullosa simplex 5B, with muscular dystrophy. Last evaluated: 2024-10-17. Review status: criteria provided, single submitter. Criteria: Invitae Variant Classification Sherloc (09022015). Collection method: clinical testing. Allele origin: germline.
Comment: This sequence change replaces arginine, which is basic and polar, with tryptophan, which is neutral and slightly polar, at codon 2029 of the PLEC protein (p.Arg2029Trp). This variant is present in population databases (rs782502722, gnomAD 0.003%). This variant has not been reported in the literature in individuals affected with PLEC-related conditions. ClinVar contains an entry for this variant (Variation ID: 1063616). Experimental studies and prediction algorithms are not available or were not evaluated, and the functional significance of this variant is currently unknown. In summary, the available evidence is currently insufficient to determine the role of this variant in disease. Therefore, it has been classified as a Variant of Uncertain Significance.

GeneDx
Classification: Uncertain significance. Last evaluated: 2022-05-02. Review status: criteria provided, single submitter. Criteria: GeneDx Variant Classification Process June 2021. Collection method: clinical testing. Allele origin: germline. Affected: yes.
Comment: Not observed at significant frequency in large population cohorts (gnomAD); In silico analysis supports that this missense variant has a deleterious effect on protein structure/function; Has not been previously published as pathogenic or benign to our knowledge

NM_201384.3(PLEC):c.6004C>T (p.Arg2002Trp)

Gene: PLEC (plectin; minus strand). Cytogenetic location: 8q24.3.
Variant type: single nucleotide variant.
Coding change: c.6004C>T on transcript NM_201384.3 (MANE Select); coding-DNA position 6004, C replaced by T.
Protein change: p.Arg2002Trp; replaces arginine 2002 with tryptophan.
Molecular consequence: missense variant.
Genome position (GRCh38, 1-based): chr8:143,923,925, G>A on the plus strand (C>T on the coding strand, the complement: PLEC is on the minus strand). VCF-style: chr8-143923925-G-A. GRCh37 (hg19) VCF-style: chr8-144998093-G-A.
Other names: c.5962C>T, p.Arg1988Trp (NM_201378.4); c.5938C>T, p.Arg1980Trp (NM_201379.3); c.6415C>T, p.Arg2139Trp (NM_201380.4); c.5908C>T, p.Arg1970Trp (NM_201381.3); c.6004C>T, p.Arg2002Trp (NM_201382.4); c.6016C>T, p.Arg2006Trp (NM_201383.3); c.6085C>T, p.Arg2029Trp (NM_000445.5); short protein forms R1970W, R1980W, R1988W, R2002W, R2006W, R2029W, R2139W.
Identifiers: ClinVar variation 1063616 (VCV001063616.6), dbSNP rs782502722, ClinGen allele CA4926149.